The following is an entry in ClinVar:

NM_000064.4(C3):c.3284T>G (p.Ile1095Ser)

Gene: C3 (complement C3; minus strand). Cytogenetic location: 19p13.3.
Variant type: single nucleotide variant.
Coding change: c.3284T>G on transcript NM_000064.4 (MANE Select); coding-DNA position 3284, T replaced by G.
Protein change: p.Ile1095Ser; replaces isoleucine 1095 with serine.
Molecular consequence: missense variant.
Genome position (GRCh38, 1-based): chr19:6,693,030, A>C on the plus strand (T>G on the coding strand, the complement: C3 is on the minus strand). VCF-style: chr19-6693030-A-C. GRCh37 (hg19) VCF-style: chr19-6693041-A-C.
Other names: short protein forms I1095S.
Identifiers: ClinVar variation 4280195 (VCV004280195.1).

ClinVar aggregate classification (germline): Uncertain significance (1 of 4 stars; one submission).

Conditions:
Atypical hemolytic-uremic syndrome. Identifiers: Orphanet 2134, MedGen C2931788, MONDO:0016244.

Submission:

Genomenon, Inc
Classification: Uncertain significance for Atypical hemolytic-uremic syndrome. Last evaluated: 2025-09-30. Review status: criteria provided, single submitter. Criteria: Genomenon Sequence Variant Interpretation Standards. Collection method: curation. Allele origin: germline. Affected: yes.
Comment: C3 p.Ile1095Ser (c.3284T>G) is a missense variant that changes the amino acid at residue 1095 from Isoleucine to Serine. This variant has been observed in at least one proband affected with atypical hemolytic-uremic syndrome (PMID:23307876). It is absent or not present at a significant frequency in gnomAD. In conclusion, we classify C3 p.Ile1095Ser (c.3284T>G) as a variant of unknown significance.

Literature cited by the submitters: PubMed 23307876.